The following is an entry in ClinVar:

NM_015335.5(MED13L):c.5175+1G>A

Gene: MED13L (mediator complex subunit 13L; minus strand). Cytogenetic location: 12q24.21.
Variant type: single nucleotide variant.
Coding change: c.5175+1G>A on transcript NM_015335.5 (MANE Select); the canonical splice donor site of the intron after coding-DNA position 5175, G replaced by A.
Molecular consequence: splice donor variant.
Genome position (GRCh38, 1-based): chr12:115,982,383, C>T on the plus strand (G>A on the coding strand, the complement: MED13L is on the minus strand). VCF-style: chr12-115982383-C-T. GRCh37 (hg19) VCF-style: chr12-116420188-C-T.
Identifiers: ClinVar variation 2780258 (VCV002780258.3), dbSNP rs2499822062, ClinGen allele CA386880938.

ClinVar aggregate classification (germline): Likely pathogenic (1 of 4 stars; one submission).

Conditions:
Dextro-looped transposition of the great arteries. Also called: Dextrotransposition of the great arteries. Identifiers: Orphanet 860, MedGen C3531771, MONDO:0019443, OMIM 608808, HP:0031348.

Submission:

Labcorp Genetics (formerly Invitae), Labcorp
Classification: Likely pathogenic for Dextro-looped transposition of the great arteries. Last evaluated: 2023-08-16. Review status: criteria provided, single submitter. Criteria: Invitae Variant Classification Sherloc (09022015). Collection method: clinical testing. Allele origin: germline.
Comment: In summary, the currently available evidence indicates that the variant is pathogenic, but additional data are needed to prove that conclusively. Therefore, this variant has been classified as Likely Pathogenic. Algorithms developed to predict the effect of sequence changes on RNA splicing suggest that this variant may disrupt the consensus splice site. Disruption of this splice site has been observed in individual(s) with developmental delay (PMID: 31785789). This variant is not present in population databases (gnomAD no frequency). This sequence change affects a donor splice site in intron 22 of the MED13L gene. It is expected to disrupt RNA splicing. Variants that disrupt the donor or acceptor splice site typically lead to a loss of protein function (PMID: 16199547), and loss-of-function variants in MED13L are known to be pathogenic (PMID: 25712080, 25758992).

Literature cited by the submitters: PubMed 31785789; PubMed 16199547; PubMed 25712080; PubMed 25758992.